The following is an entry in ClinVar:

ClinVar aggregate classification (germline): Uncertain significance (1 of 4 stars; one submission).

Conditions:
Catecholaminergic polymorphic ventricular tachycardia 1. Also called: VENTRICULAR TACHYCARDIA, CATECHOLAMINERGIC POLYMORPHIC, 1, WITH OR WITHOUT ATRIAL DYSFUNCTION AND/OR DILATED CARDIOMYOPATHY; VENTRICULAR TACHYCARDIA, STRESS-INDUCED POLYMORPHIC 1; RYR2-Related Catecholaminergic Polymorphic Ventricular Tachycardia. Identifiers: Orphanet 3286, MedGen C1631597, MONDO:0011484, OMIM 604772.

Submission:

MVZ Medizinische Genetik Mainz
Classification: Uncertain significance for Catecholaminergic polymorphic ventricular tachycardia 1. Last evaluated: 2026-09-30. Review status: criteria provided, single submitter. Criteria: UK Practice Guidelines For Variant Classification V4 01 2020. Collection method: clinical testing. Allele origin: germline. Inheritance: Autosomal dominant inheritance. Affected: yes. Observed: 1 variant allele.
Comment: ACMG Criteria: PM2_SUP,PP3

NM_001035.3(RYR2):c.6167-22A>G

Gene: RYR2 (ryanodine receptor 2; plus strand). Cytogenetic location: 1q43.
Variant type: single nucleotide variant.
Coding change: c.6167-22A>G on transcript NM_001035.3 (MANE Select); 22 bases into the intron before coding-DNA position 6167, A replaced by G.
Molecular consequence: intron variant.
Genome position (GRCh38, 1-based): chr1:237,627,785, A>G. VCF-style: chr1-237627785-A-G. GRCh37 (hg19) VCF-style: chr1-237791085-A-G.
Identifiers: ClinVar variation 5038164 (VCV005038164.1).
Genomic context (GRCh38, chr1:237,627,785, plus strand): 5'-GTACAGGATATGGACTTGAAATGTCCAACTGATTTGTCTTCTCTTATTTTTCTTTTAAAA[A>G]ATATCCATAATGACTTTGCAGCCACTCTGCAGCAGCTGATTTCTGAGACCATGGTCCGAT-3'